The following is an entry in ClinVar:

ClinVar aggregate classification (germline): Uncertain significance (1 of 4 stars; one submission).

gnomAD v4.1: 11 of 1,613,468 alleles (0.00068%); highest among the groups gnomAD compares: East Asian, 0.025%; no homozygotes.

Submission:

Labcorp Genetics (formerly Invitae), Labcorp
Classification: Uncertain significance. Last evaluated: 2025-02-23. Review status: criteria provided, single submitter. Criteria: Invitae Variant Classification Sherloc (09022015). Collection method: clinical testing. Allele origin: germline.
Comment: This sequence change replaces glutamic acid, which is acidic and polar, with glycine, which is neutral and non-polar, at codon 604 of the MYLK3 protein (p.Glu604Gly). This variant is present in population databases (rs142296656, gnomAD 0.006%). This variant has not been reported in the literature in individuals affected with MYLK3-related conditions. An algorithm developed to predict the effect of missense changes on protein structure and function (PolyPhen-2) suggests that this variant is likely to be disruptive. In summary, the available evidence is currently insufficient to determine the role of this variant in disease. Therefore, it has been classified as a Variant of Uncertain Significance.

NM_182493.3(MYLK3):c.1811A>G (p.Glu604Gly)

Gene: MYLK3 (myosin light chain kinase 3; minus strand). Cytogenetic location: 16q11.2.
Variant type: single nucleotide variant.
Coding change: c.1811A>G on transcript NM_182493.3 (MANE Select); coding-DNA position 1811, A replaced by G.
Protein change: p.Glu604Gly; replaces glutamic acid 604 with glycine.
Molecular consequence: missense variant.
Genome position (GRCh38, 1-based): chr16:46,727,339, T>C on the plus strand (A>G on the coding strand, the complement: MYLK3 is on the minus strand). VCF-style: chr16-46727339-T-C. GRCh37 (hg19) VCF-style: chr16-46761251-T-C.
Other names: c.788A>G, p.Glu263Gly (NM_001308301.1); short protein forms E263G, E604G.
Identifiers: ClinVar variation 3673933 (VCV003673933.2).
Genomic context (GRCh38, chr16:46,727,339, plus strand): 5'-ACACCCTCACAGATCTGCCTGGTGAACAGGACCACATCCAGCTCAGTCAGGTGGTACTTC[T>C]CATCTGTGATCCGGTCGAAGAGCTCACCCCCGTCCACGCTGCCAGAGCAAAGGGAGAGGC-3'
Protein context (NP_872299.2, residues 594-614): GGELFDRITD[Glu604Gly]KYHLTELDVV